The following is an entry in ClinVar:

ClinVar aggregate classification (germline): Likely benign (1 of 4 stars; one submission).

Allele frequency attached by ClinVar (database versions not stated): gnomAD exomes 0.00456; gnomAD 0.01632; TOPMed 0.01835; 1000 Genomes Project 0.02037; 1000 Genomes Project 30x 0.02092.
gnomAD v4.1: 8,156 of 1,375,442 alleles (0.59%); highest among the groups gnomAD compares: African/African-American, 4.7%; 98 homozygotes.

Submission:

GeneDx
Classification: Likely benign. Last evaluated: 2019-05-14. Review status: criteria provided, single submitter. Criteria: GeneDx Variant Classification Process June 2021. Collection method: clinical testing. Allele origin: germline. Affected: yes.
Comment: See Variant Classification Assertion Criteria.

NM_018076.5(ODAD2):c.1533+106A>G

Gene: ODAD2 (outer dynein arm docking complex subunit 2; minus strand). Cytogenetic location: 10p12.1.
Variant type: single nucleotide variant.
Coding change: c.1533+106A>G on transcript NM_018076.5 (MANE Select); 106 bases into the intron after coding-DNA position 1533, A replaced by G.
Molecular consequence: intron variant.
Genome position (GRCh38, 1-based): chr10:27,944,710, T>C on the plus strand (A>G on the coding strand, the complement: ODAD2 is on the minus strand). VCF-style: chr10-27944710-T-C. GRCh37 (hg19) VCF-style: chr10-28233639-T-C.
Other names: c.1533+106A>G (NM_001290020.2); c.609+106A>G (NM_001312689.2); c.108+106A>G (NM_001290021.2).
Identifiers: ClinVar variation 1706783 (VCV001706783.2), dbSNP rs58422051, ClinGen allele CA204520041.